The following is an entry in ClinVar:

ClinVar aggregate classification (germline): Pathogenic. Review status: criteria provided, multiple submitters, no conflicts (2 of 4 stars). 2 submissions from 2 submitters: Pathogenic (2). Last evaluated 2024-10-14.

Conditions:
Spastic paraplegia. Identifiers: MedGen C0037772, HP:0001258.
Hereditary spastic paraplegia 15 (SPG15). Also called: SPASTIC PARAPLEGIA AND RETINAL DEGENERATION; SPASTIC PARAPLEGIA 15, AUTOSOMAL RECESSIVE; KJELLIN SYNDROME. Identifiers: Orphanet 100996, MedGen C1849128, MONDO:0010044, OMIM 270700.

Submissions (2):

Women's Health and Genetics/Laboratory Corporation of America, LabCorp
Classification: Pathogenic for Hereditary spastic paraplegia 15. Last evaluated: 2024-10-14. Review status: criteria provided, single submitter. Criteria: LabCorp Variant Classification Summary - May 2015. Collection method: clinical testing. Allele origin: germline.
Comment: Variant summary: ZFYVE26 c.3447_3466del20 (p.Met1149IlefsX18) results in a premature termination codon, predicted to cause a truncation of the encoded protein or absence of the protein due to nonsense mediated decay, which are commonly known mechanisms for disease. The variant was absent in 251478 control chromosomes. To our knowledge, no occurrence of c.3447_3466del20 in individuals affected with Hereditary Spastic Paraplegia 15 and no experimental evidence demonstrating its impact on protein function have been reported. ClinVar contains an entry for this variant (Variation ID: 848097). Based on the evidence outlined above, the variant was classified as pathogenic.

Labcorp Genetics (formerly Invitae), Labcorp
Classification: Pathogenic for Spastic paraplegia. Last evaluated: 2023-07-27. Review status: criteria provided, single submitter. Criteria: Invitae Variant Classification Sherloc (09022015). Collection method: clinical testing. Allele origin: germline.
Comment: For these reasons, this variant has been classified as Pathogenic. Algorithms developed to predict the effect of sequence changes on RNA splicing suggest that this variant may disrupt the consensus splice site. ClinVar contains an entry for this variant (Variation ID: 848097). This variant has not been reported in the literature in individuals affected with ZFYVE26-related conditions. This variant is not present in population databases (gnomAD no frequency). This sequence change creates a premature translational stop signal (p.Met1149Ilefs*18) in the ZFYVE26 gene. It is expected to result in an absent or disrupted protein product. Loss-of-function variants in ZFYVE26 are known to be pathogenic (PMID: 18394578, 19805727).

Literature cited by the submitters: PubMed 18394578 (cited by Labcorp Genetics (formerly Invitae), Labcorp); PubMed 19805727 (cited by Labcorp Genetics (formerly Invitae), Labcorp).

NM_015346.4(ZFYVE26):c.3447_3466del (p.Met1149fs)

Gene: ZFYVE26 (zinc finger FYVE-type containing 26; minus strand). Cytogenetic location: 14q24.1.
Variant type: Deletion.
Coding change: c.3447_3466del on transcript NM_015346.4 (MANE Select); coding-DNA positions 3447 to 3466, 20 bases deleted (GGACTACTTGGGCACCTTCT).
Protein change: p.Met1149fs; shifts the reading frame from methionine 1149.
Molecular consequence: frameshift variant.
Genome position (GRCh38, 1-based): chr14:67,785,116-67,785,135, AGAAGGTGCCCAAGTAGTCC deleted on the plus strand (GGACTACTTGGGCACCTTCT on the coding strand, the reverse complement: ZFYVE26 is on the minus strand); deleting any 20 consecutive bases within chr14:67,785,116-67,785,136 gives the same sequence; the c. name uses the placement nearest the transcript's 3' end. VCF-style (leftmost placement, unchanged base first): chr14-67785115-AAGAAGGTGCCCAAGTAGTCC-A. GRCh37 (hg19) VCF-style: chr14-68251832-AAGAAGGTGCCCAAGTAGTCC-A.
Other names: c.3447_3466del20 (NM_015346.4); short protein forms M1149fs.
Identifiers: ClinVar variation 848097 (VCV000848097.8), dbSNP rs2039613696, ClinGen allele CA916083385.